The following is an entry in ClinVar:

NM_001375834.1(WIPF1):c.26C>T (p.Pro9Leu)

Genes: WIPF1 (WAS/WASL interacting protein family member 1; minus strand), WIPF1-AS1 (WIPF1 and CHRNA1 antisense RNA 1; plus strand). Cytogenetic location: 2q31.1.
Variant type: single nucleotide variant.
Coding change: c.26C>T on transcript NM_001375834.1 (MANE Select); coding-DNA position 26, C replaced by T.
Protein change: p.Pro9Leu; replaces proline 9 with leucine.
Molecular consequence: missense variant.
Genome position (GRCh38, 1-based): chr2:174,585,548, G>A on the plus strand (C>T on the coding strand, the complement: WIPF1 is on the minus strand). VCF-style: chr2-174585548-G-A. GRCh37 (hg19) VCF-style: chr2-175450276-G-A.
Other names: c.26C>T, p.Pro9Leu (NM_001077269.1, NM_001375832.1, NM_001375833.1 and 6 more transcripts); short protein forms P9L.
Identifiers: ClinVar variation 1054457 (VCV001054457.7), dbSNP rs766473130, ClinGen allele CA1974271.

ClinVar aggregate classification (germline): Uncertain significance (1 of 4 stars; one submission).

Conditions:
Wiskott-Aldrich syndrome 2 (WAS2). Also called: WIPF1 DEFICIENCY. Identifiers: Orphanet 906, MedGen C3281001, MONDO:0013779, OMIM 614493.

Allele frequency attached by ClinVar (database versions not stated): TOPMed below 0.00001; gnomAD exomes 0.00001 and 0.00002; ExAC 0.00005.
gnomAD v4.1: 11 of 1,611,962 alleles (0.00068%); highest among the groups gnomAD compares: Non-Finnish European, 0.00085%; no homozygotes.

Submission:

Labcorp Genetics (formerly Invitae), Labcorp
Classification: Uncertain significance for Wiskott-Aldrich syndrome 2. Last evaluated: 2025-03-17. Review status: criteria provided, single submitter. Criteria: Invitae Variant Classification Sherloc (09022015). Collection method: clinical testing. Allele origin: germline.
Comment: This sequence change replaces proline, which is neutral and non-polar, with leucine, which is neutral and non-polar, at codon 9 of the WIPF1 protein (p.Pro9Leu). The frequency data for this variant in the population databases is considered unreliable, as metrics indicate poor data quality at this position in the gnomAD database. This variant has not been reported in the literature in individuals affected with WIPF1-related conditions. ClinVar contains an entry for this variant (Variation ID: 1054457). Experimental studies and prediction algorithms are not available or were not evaluated, and the functional significance of this variant is currently unknown. In summary, the available evidence is currently insufficient to determine the role of this variant in disease. Therefore, it has been classified as a Variant of Uncertain Significance.